The following is an entry in ClinVar:

ClinVar aggregate classification (germline): Uncertain significance (1 of 4 stars; one submission).

Conditions:
Cortical dysplasia-focal epilepsy syndrome (PTHSL1). Also called: Pitt-Hopkins-like syndrome 1. Identifiers: Orphanet 163681, Orphanet 221150, MedGen C2750246, MONDO:0012400, OMIM 610042.

Allele frequency attached by ClinVar (database versions not stated): gnomAD 0.00001; gnomAD exomes 0.00001.
gnomAD v4.1: 18 of 1,614,052 alleles (0.0011%); highest among the groups gnomAD compares: African/African-American, 0.0027%; no homozygotes.

Submission:

Labcorp Genetics (formerly Invitae), Labcorp
Classification: Uncertain significance for Cortical dysplasia-focal epilepsy syndrome. Last evaluated: 2019-10-30. Review status: criteria provided, single submitter. Criteria: Invitae Variant Classification Sherloc (09022015). Collection method: clinical testing. Allele origin: germline.
Comment: In summary, the available evidence is currently insufficient to determine the role of this variant in disease. Therefore, it has been classified as a Variant of Uncertain Significance. Algorithms developed to predict the effect of missense changes on protein structure and function (SIFT, PolyPhen-2, Align-GVGD) all suggest that this variant is likely to be tolerated, but these predictions have not been confirmed by published functional studies and their clinical significance is uncertain. This variant has not been reported in the literature in individuals with CNTNAP2-related conditions. This variant is not present in population databases (ExAC no frequency). This sequence change replaces glutamic acid with lysine at codon 1208 of the CNTNAP2 protein (p.Glu1208Lys). The glutamic acid residue is moderately conserved and there is a small physicochemical difference between glutamic acid and lysine.

NM_014141.6(CNTNAP2):c.3622G>A (p.Glu1208Lys)

Gene: CNTNAP2 (contactin associated protein 2; plus strand). Cytogenetic location: 7q36.1.
Variant type: single nucleotide variant.
Coding change: c.3622G>A on transcript NM_014141.6 (MANE Select); coding-DNA position 3622, G replaced by A.
Protein change: p.Glu1208Lys; replaces glutamic acid 1208 with lysine.
Molecular consequence: missense variant.
Genome position (GRCh38, 1-based): chr7:148,383,795, G>A. VCF-style: chr7-148383795-G-A. GRCh37 (hg19) VCF-style: chr7-148080887-G-A.
Other names: short protein forms E1208K.
Identifiers: ClinVar variation 969292 (VCV000969292.8), dbSNP rs1325468046, ClinGen allele CA369704720.
Genomic context (GRCh38, chr7:148,383,795, plus strand): 5'-GCCCCTCTCAAGGCCGCCTTGAGGCAGACAAACGCCTCGGCTCACGTCCACATCCAGGGC[G>A]AGCTGGTGGAGTCCAACTGCGGGGCCTCGCCGCTGACCCTCTCCCCCATGTCGTCCGCCA-3'
Protein context (NP_054860.1, residues 1198-1218): NASAHVHIQG[Glu1208Lys]LVESNCGASP